The following is an entry in ClinVar:

ClinVar aggregate classification (germline): Conflicting classifications of pathogenicity. Review status: criteria provided, conflicting classifications (1 of 4 stars). 4 submissions from 4 submitters: Uncertain significance (3); Likely benign (1). Last evaluated 2025-08-24.

Conditions:
Thrombocytopenia 2 (THC2). Also called: ANKRD26-Related Thrombocytopenia. Identifiers: Orphanet 268322, MedGen C1861185, MONDO:0008555, OMIM 188000.
Inborn genetic diseases. Identifiers: MedGen C0950123, MeSH D030342.

Allele frequency attached by ClinVar (database versions not stated): ExAC 0.00004; gnomAD exomes 0.00004; TOPMed 0.00004; gnomAD 0.00006.
gnomAD v4.1: 71 of 1,594,014 alleles (0.0045%); highest among the groups gnomAD compares: Middle Eastern, 0.017%; no homozygotes.

Submissions (4):

Ambry Genetics
Classification: Uncertain significance for Inborn genetic diseases. Last evaluated: 2025-08-24. Review status: criteria provided, single submitter. Criteria: Ambry Variant Classification Scheme 2023. Collection method: clinical testing. Allele origin: germline.

Labcorp Genetics (formerly Invitae), Labcorp
Classification: Uncertain significance. Last evaluated: 2025-01-13. Review status: criteria provided, single submitter. Criteria: Invitae Variant Classification Sherloc (09022015). Collection method: clinical testing. Allele origin: germline.
Comment: This sequence change replaces methionine, which is neutral and non-polar, with valine, which is neutral and non-polar, at codon 405 of the ANKRD26 protein (p.Met405Val). This variant is present in population databases (rs555822164, gnomAD 0.006%). This variant has not been reported in the literature in individuals affected with ANKRD26-related conditions. ClinVar contains an entry for this variant (Variation ID: 878898). An algorithm developed to predict the effect of missense changes on protein structure and function (PolyPhen-2) suggests that this variant is likely to be disruptive. In summary, the available evidence is currently insufficient to determine the role of this variant in disease. Therefore, it has been classified as a Variant of Uncertain Significance.

GeneDx
Classification: Uncertain significance. Last evaluated: 2024-03-29. Review status: criteria provided, single submitter. Criteria: GeneDx Variant Classification Process June 2021. Collection method: clinical testing. Allele origin: germline. Affected: yes.
Comment: In silico analysis supports that this missense variant does not alter protein structure/function; Has not been previously published as pathogenic or benign to our knowledge

Illumina Laboratory Services, Illumina
Classification: Likely benign for Thrombocytopenia 2. Last evaluated: 2018-01-12. Review status: criteria provided, single submitter. Criteria: ICSL Variant Classification Criteria 13 December 2019. Collection method: clinical testing. Allele origin: germline.
Comment: This variant was observed in the ICSL laboratory as part of a predisposition screen in an ostensibly healthy population. It had not been previously curated by ICSL or reported in the Human Gene Mutation Database (HGMD: prior to June 1st, 2018), and was therefore a candidate for classification through an automated scoring system. Utilizing variant allele frequency, disease prevalence and penetrance estimates, and inheritance mode, an automated score was calculated to assess if this variant is too frequent to cause the disease. Based on the score and internal cut-off values, a variant classified as likely benign is not then subjected to further curation. The score for this variant resulted in a classification of likely benign for this disease.

NM_014915.3(ANKRD26):c.1213A>G (p.Met405Val)

Gene: ANKRD26 (ankyrin repeat domain 26; minus strand). Cytogenetic location: 10p12.1.
Variant type: single nucleotide variant.
Coding change: c.1213A>G on transcript NM_014915.3 (MANE Select); coding-DNA position 1213, A replaced by G.
Protein change: p.Met405Val; replaces methionine 405 with valine.
Molecular consequence: missense variant.
Genome position (GRCh38, 1-based): chr10:27,066,543, T>C on the plus strand (A>G on the coding strand, the complement: ANKRD26 is on the minus strand). VCF-style: chr10-27066543-T-C. GRCh37 (hg19) VCF-style: chr10-27355472-T-C.
Other names: c.1213A>G, p.Met405Val (NM_001256053.2); short protein forms M405V.
Identifiers: ClinVar variation 878898 (VCV000878898.11), dbSNP rs555822164, ClinGen allele CA5448640.
Genomic context (GRCh38, chr10:27,066,543, plus strand): 5'-GTACCTCAGAATCCCAAGGTGATTCTATATCTTCCTCTTGTCCTAATCCTAATGCGGACA[T>C]CATATCTATCAAATGTGATACACAGATATATTCATGAGAACATTTACTATTGTAAATTTT-3'
Protein context (NP_055730.2, residues 395-415): EVHKNNRSDM[Met405Val]SALGLGQEED